The following is an entry in ClinVar:

ClinVar aggregate classification (germline): Benign/Likely benign. Review status: criteria provided, multiple submitters, no conflicts (2 of 4 stars). 6 submissions from 6 submitters: Benign (4); Likely benign (2). Last evaluated 2026-01-28.

Conditions:
Otitis media, susceptibility to (OMS). Also called: COME/ROM; OTITIS MEDIA, CHRONIC/RECURRENT. Identifiers: MedGen C1833692, MONDO:0008162, OMIM 166760.

Allele frequency attached by ClinVar (database versions not stated): 1000 Genomes Project 30x 0.00125; 1000 Genomes Project 0.00160; gnomAD 0.00172 and 0.00186; TOPMed 0.00181; ESP Exome Variant Server 0.00182; ExAC 0.00266; gnomAD exomes 0.00270 and 0.00328.
gnomAD v4.1: 5,108 of 1,614,144 alleles (0.32%); highest among the groups gnomAD compares: Middle Eastern, 0.91%; 22 homozygotes.

Submissions (6):

Labcorp Genetics (formerly Invitae), Labcorp
Classification: Benign. Last evaluated: 2026-01-28. Review status: criteria provided, single submitter. Criteria: Invitae Variant Classification Sherloc (09022015). Collection method: clinical testing. Allele origin: germline.

Ambry Genetics
Classification: Likely benign. Last evaluated: 2022-02-20. Review status: criteria provided, single submitter. Criteria: Ambry Variant Classification Scheme 2023. Collection method: clinical testing. Allele origin: germline.

Fulgent Genetics
Classification: Likely benign for Otitis media, susceptibility to. Last evaluated: 2021-12-22. Review status: criteria provided, single submitter. Criteria: ACMG Guidelines, 2015. Collection method: clinical testing. Allele origin: unknown.

Women's Health and Genetics/Laboratory Corporation of America, LabCorp
Classification: Benign. Last evaluated: 2019-08-30. Review status: criteria provided, single submitter. Criteria: LabCorp Variant Classification Summary - May 2015. Collection method: clinical testing. Allele origin: germline.

GeneDx
Classification: Benign. Last evaluated: 2017-07-22. Review status: criteria provided, single submitter. Criteria: GeneDx Variant Classification (06012015). Collection method: clinical testing. Allele origin: germline. Affected: yes.
Comment: This variant is considered likely benign or benign based on one or more of the following criteria: it is a conservative change, it occurs at a poorly conserved position in the protein, it is predicted to be benign by multiple in silico algorithms, and/or has population frequency not consistent with disease.

Breakthrough Genomics
Classification: Benign. Review status: criteria provided, single submitter. Criteria: ACMG Guidelines, 2015. Collection method: not provided. Allele origin: germline. Inheritance: Autosomal dominant inheritance. Affected: yes.

NM_144670.6(A2ML1):c.196C>T (p.Leu66=)

Genes: A2ML1 (alpha-2-macroglobulin like 1; plus strand), A2ML1-AS1 (A2ML1 antisense RNA 1; minus strand). Cytogenetic location: 12p13.31.
Variant type: single nucleotide variant.
Coding change: c.196C>T on transcript NM_144670.6 (MANE Select); coding-DNA position 196, C replaced by T.
Protein change: p.Leu66=; no amino-acid change (leucine 66 retained).
Molecular consequence: synonymous variant.
Genome position (GRCh38, 1-based): chr12:8,823,315, C>T. VCF-style: chr12-8823315-C-T. GRCh37 (hg19) VCF-style: chr12-8975911-C-T.
Identifiers: ClinVar variation 224929 (VCV000224929.17), dbSNP rs185519272, ClinGen allele CA356467.